The following is an entry in ClinVar:

ClinVar aggregate classification (germline): Pathogenic (1 of 4 stars; one submission).

Conditions:
MHC class II deficiency. Also called: BLS, TYPE II; Bare lymphocyte syndrome 2. Identifiers: Orphanet 572, MedGen C5447452, MONDO:0008855.

Submission:

Labcorp Genetics (formerly Invitae), Labcorp
Classification: Pathogenic for MHC class II deficiency. Last evaluated: 2022-02-08. Review status: criteria provided, single submitter. Criteria: Invitae Variant Classification Sherloc (09022015). Collection method: clinical testing. Allele origin: germline.
Comment: For these reasons, this variant has been classified as Pathogenic. ClinVar contains an entry for this variant (Variation ID: 1068494). This variant has not been reported in the literature in individuals affected with RFXAP-related conditions. This sequence change creates a premature translational stop signal (p.Lys69Glnfs*4) in the RFXAP gene. It is expected to result in an absent or disrupted protein product. Loss-of-function variants in RFXAP are known to be pathogenic (PMID: 9118943, 22390233). This variant is present in population databases (no rsID available, gnomAD 0.05%).

Literature cited by the submitters: PubMed 9118943; PubMed 22390233.

NM_000538.4(RFXAP):c.203dup (p.Lys69fs)

Gene: RFXAP (regulatory factor X associated protein; plus strand). Cytogenetic location: 13q13.3.
Variant type: Duplication.
Coding change: c.203dup on transcript NM_000538.4 (MANE Select); coding-DNA position 203, one base duplicated (G; older notation c.203dupG).
Protein change: p.Lys69fs; shifts the reading frame from lysine 69.
Molecular consequence: frameshift variant.
Genome position (GRCh38, 1-based): chr13:36,819,560, G duplicated; the last of 3 consecutive G bases (chr13:36,819,558-36,819,560); duplicating any one gives the same sequence. VCF-style (leftmost placement, unchanged base first): chr13-36819557-C-CG. GRCh37 (hg19) VCF-style: chr13-37393694-C-CG.
Other names: short protein forms K69fs.
Identifiers: ClinVar variation 1068494 (VCV001068494.7), dbSNP rs1249595284, ClinGen allele CA609452341.